The following is an entry in ClinVar:

NM_053025.4(MYLK):c.5238+6G>A

Genes: MYLK-AS1 (MYLK antisense RNA 1; plus strand), MYLK (myosin light chain kinase; minus strand). Cytogenetic location: 3q21.1.
Variant type: single nucleotide variant.
Coding change: c.5238+6G>A on transcript NM_053025.4 (MANE Select); 6 bases into the intron after coding-DNA position 5238, G replaced by A.
Molecular consequence: intron variant.
Genome position (GRCh38, 1-based): chr3:123,626,812, C>T on the plus strand (G>A on the coding strand, the complement: MYLK is on the minus strand). VCF-style: chr3-123626812-C-T. GRCh37 (hg19) VCF-style: chr3-123345659-C-T.
Other names: c.4710+6G>A (NM_001321309.2); c.4878+6G>A (NM_053028.4); c.5031+6G>A (NM_053026.4); c.5085+6G>A (NM_053027.4).
Identifiers: ClinVar variation 698274 (VCV000698274.12), dbSNP rs769544580, ClinGen allele CA072700.

ClinVar aggregate classification (germline): Benign/Likely benign. Review status: criteria provided, multiple submitters, no conflicts (2 of 4 stars). 4 submissions from 4 submitters: Benign (2); Likely benign (2). Last evaluated 2026-01-13.

Conditions:
Aortic aneurysm, familial thoracic 7 (AAT7). Also called: AORTIC DISSECTION, FAMILIAL, WITH OR WITHOUT AORTIC ANEURYSM. Identifiers: MedGen C3151077, MONDO:0013418, OMIM 613780.
Familial thoracic aortic aneurysm and aortic dissection (TAAD). Also called: Thoracic aortic aneurysms and dissections. Identifiers: Orphanet 91387, MedGen C4707243, MONDO:0019625.

Allele frequency attached by ClinVar (database versions not stated): gnomAD 0.00007; ExAC 0.00008; gnomAD exomes 0.00009 and 0.00016; TOPMed 0.00014.
gnomAD v4.1: 65 of 1,614,070 alleles (0.004%); highest among the groups gnomAD compares: Admixed American, 0.11%; no homozygotes.

Submissions (4):

Labcorp Genetics (formerly Invitae), Labcorp
Classification: Likely benign for Aortic aneurysm, familial thoracic 7. Last evaluated: 2026-01-13. Review status: criteria provided, single submitter. Criteria: Invitae Variant Classification Sherloc (09022015). Collection method: clinical testing. Allele origin: germline.

Women's Health and Genetics/Laboratory Corporation of America, LabCorp
Classification: Benign. Last evaluated: 2021-05-24. Review status: criteria provided, single submitter. Criteria: LabCorp Variant Classification Summary - May 2015. Collection method: clinical testing. Allele origin: germline.
Comment: Variant summary: MYLK c.5238+6G>A alters a non-conserved nucleotide located close to a canonical splice site and therefore could affect mRNA splicing, leading to a significantly altered protein sequence. 4/4 computational tools predict no significant impact on normal splicing. However, these predictions have yet to be confirmed by functional studies. The variant allele was found at a frequency of 0.00016 in 251472 control chromosomes, predominantly at a frequency of 0.0011 within the Latino subpopulation in the gnomAD database. The observed variant frequency within Latino control individuals in the gnomAD database is approximately 22-fold the estimated maximal expected allele frequency for a pathogenic variant in MYLK causing Thoracic Aortic Aneurysms And Dissections phenotype (5e-05), strongly suggesting that the variant is a benign polymorphism found primarily in populations of Latino origin. To our knowledge, no occurrence of c.5238+6G>A in individuals affected with Thoracic Aortic Aneurysms And Dissections and no experimental evidence demonstrating its impact on protein function have been reported. Two clinical diagnostic laboratories have submitted clinical-significance assessments for this variant to ClinVar after 2014 without evidence for independent evaluation. Both laboratories classified the variant as benign/likely benign. Based on the evidence outlined above, the variant was classified as benign.

GeneDx
Classification: Likely benign. Last evaluated: 2021-01-11. Review status: criteria provided, single submitter. Criteria: GeneDx Variant Classification Process June 2021. Collection method: clinical testing. Allele origin: germline. Affected: yes.

CHEO Genetics Diagnostic Laboratory, Children's Hospital of Eastern Ontario
Classification: Benign for Familial thoracic aortic aneurysm and aortic dissection. Last evaluated: 2018-01-17. Review status: criteria provided, single submitter. Criteria: ACMG Guidelines, 2015. Collection method: clinical testing. Allele origin: germline.